The following is an entry in ClinVar:

NM_000548.5(TSC2):c.554A>G (p.Lys185Arg)

Gene: TSC2 (TSC complex subunit 2; plus strand). Cytogenetic location: 16p13.3.
Variant type: single nucleotide variant.
Coding change: c.554A>G on transcript NM_000548.5 (MANE Select); coding-DNA position 554, A replaced by G.
Protein change: p.Lys185Arg; replaces lysine 185 with arginine.
Molecular consequence: missense variant. On other transcripts: 5 prime UTR variant (13), non-coding transcript variant (5), intron variant (6).
Genome position (GRCh38, 1-based): chr16:2,055,474, A>G. VCF-style: chr16-2055474-A-G. GRCh37 (hg19) VCF-style: chr16-2105475-A-G.
Other names: c.554A>G, p.Lys185Arg (NM_001077183.3, NM_001114382.3, NM_001363528.2 and 8 more transcripts); c.443A>G, p.Lys148Arg (NM_001318827.2, NM_001406670.1, NM_001406678.1); c.407A>G, p.Lys136Arg (NM_001318829.2, NM_001406675.1, NM_001406676.1 and 1 more transcripts); c.587A>G, p.Lys196Arg (NM_001318832.2); c.644A>G, p.Lys215Arg (NM_001406667.1, NM_001406668.1); c.497A>G, p.Lys166Arg (NM_001406677.1); c.-263A>G (NM_001406680.1, NM_001406683.1, NM_001406687.1); c.92A>G, p.Lys31Arg (NM_001406681.1); and 6 more; short protein forms K136R, K148R, K166R, K185R, K196R, K215R, K31R.
Identifiers: ClinVar variation 3615450 (VCV003615450.2).

ClinVar aggregate classification (germline): Uncertain significance (1 of 4 stars; one submission).

Conditions:
Tuberous sclerosis 2 (TSC2). Identifiers: Orphanet 805, MedGen C1860707, MONDO:0013199, OMIM 613254.

gnomAD v4.1: 2 of 1,614,218 alleles (0.00012%); highest among the groups gnomAD compares: Non-Finnish European, 0.000085%; no homozygotes.

Submission:

Labcorp Genetics (formerly Invitae), Labcorp
Classification: Uncertain significance for Tuberous sclerosis 2. Last evaluated: 2024-11-26. Review status: criteria provided, single submitter. Criteria: Invitae Variant Classification Sherloc (09022015). Collection method: clinical testing. Allele origin: germline.
Comment: This sequence change replaces lysine, which is basic and polar, with arginine, which is basic and polar, at codon 185 of the TSC2 protein (p.Lys185Arg). This variant is not present in population databases (gnomAD no frequency). This variant has not been reported in the literature in individuals affected with TSC2-related conditions. Invitae Evidence Modeling of protein sequence and biophysical properties (such as structural, functional, and spatial information, amino acid conservation, physicochemical variation, residue mobility, and thermodynamic stability) indicates that this missense variant is not expected to disrupt TSC2 protein function with a negative predictive value of 95%. In summary, the available evidence is currently insufficient to determine the role of this variant in disease. Therefore, it has been classified as a Variant of Uncertain Significance.